The following is an entry in ClinVar:

NM_000384.3(APOB):c.318C>G (p.Asn106Lys)

Gene: APOB (apolipoprotein B; minus strand). Cytogenetic location: 2p24.1.
Variant type: single nucleotide variant.
Coding change: c.318C>G on transcript NM_000384.3 (MANE Select); coding-DNA position 318, C replaced by G.
Protein change: p.Asn106Lys; replaces asparagine 106 with lysine.
Molecular consequence: missense variant.
Genome position (GRCh38, 1-based): chr2:21,041,003, G>C on the plus strand (C>G on the coding strand, the complement: APOB is on the minus strand). VCF-style: chr2-21041003-G-C. GRCh37 (hg19) VCF-style: chr2-21263875-G-C.
Other names: short protein forms N106K.
Identifiers: ClinVar variation 477807 (VCV000477807.16), dbSNP rs371662800, ClinGen allele CA058201.

ClinVar aggregate classification (germline): Conflicting classifications of pathogenicity. Review status: criteria provided, conflicting classifications (1 of 4 stars). 2 submissions from 2 submitters: Uncertain significance (1); Benign (1). Last evaluated 2025-04-10.

Conditions:
Hypercholesterolemia, autosomal dominant, type B (FHCL2). Also called: APOB-Related Familial Hypercholesterolemia, Autosomal Dominant; Hyperlipoproteinemia Type IIb; Familial Hypercholesterolemia Type B; APOLIPOPROTEIN B-100, FAMILIAL DEFECTIVE; APOLIPOPROTEIN B-100, FAMILIAL LIGAND-DEFECTIVE; HYPERCHOLESTEROLEMIA, FAMILIAL, DUE TO LIGAND-DEFECTIVE APOLIPOPROTEIN B. Identifiers: MedGen C1704417, MONDO:0007751, OMIM 144010.
Familial hypobetalipoproteinemia 1. Also called: Hypobetalipoproteinemia, normotriglyceridemic; Acanthocytosis with hypobetalipoproteinemia; APOB-Related Familial Hypobetalipoproteinemia. Identifiers: MedGen C4551990, MONDO:0014252, OMIM 615558.
Cardiovascular phenotype. Identifiers: MedGen CN230736.

Allele frequency attached by ClinVar (database versions not stated): gnomAD 0.00005 and 0.00006; TOPMed 0.00005; ESP Exome Variant Server 0.00008.
gnomAD v4.1: 17 of 1,613,732 alleles (0.0011%); highest among the groups gnomAD compares: African/African-American, 0.021%; no homozygotes.

Submissions (2):

Ambry Genetics
Classification: Uncertain significance for Cardiovascular phenotype. Last evaluated: 2025-04-10. Review status: criteria provided, single submitter. Criteria: Ambry Variant Classification Scheme 2023. Collection method: clinical testing. Allele origin: germline.
Comment: The p.N106K variant (also known as c.318C>G), located in coding exon 4 of the APOB gene, results from a C to G substitution at nucleotide position 318. The asparagine at codon 106 is replaced by lysine, an amino acid with similar properties. This amino acid position is conserved. In addition, this alteration is predicted to be tolerated by in silico analysis. Since supporting evidence is limited at this time, the clinical significance of this alteration remains unclear.

Labcorp Genetics (formerly Invitae), Labcorp
Classification: Benign for Familial hypobetalipoproteinemia 1; Hypercholesterolemia, autosomal dominant, type B. Last evaluated: 2024-04-15. Review status: criteria provided, single submitter. Criteria: Invitae Variant Classification Sherloc (09022015). Collection method: clinical testing. Allele origin: germline.